The following is an entry in ClinVar:

ClinVar aggregate classification (germline): Uncertain significance (1 of 4 stars; one submission).

Allele frequency attached by ClinVar (database versions not stated): gnomAD exomes below 0.00001; ExAC 0.00001.

Submission:

Labcorp Genetics (formerly Invitae), Labcorp
Classification: Uncertain significance. Last evaluated: 2022-05-12. Review status: criteria provided, single submitter. Criteria: Invitae Variant Classification Sherloc (09022015). Collection method: clinical testing. Allele origin: germline.
Comment: In summary, the available evidence is currently insufficient to determine the role of this variant in disease. Therefore, it has been classified as a Variant of Uncertain Significance. Experimental studies and prediction algorithms are not available or were not evaluated, and the functional significance of this variant is currently unknown. This variant has not been reported in the literature in individuals affected with SBF1-related conditions. This variant is present in population databases (rs780271412, gnomAD 0.0009%). This sequence change creates a premature translational stop signal (p.Thr1845Argfs*18) in the SBF1 gene. While this is not anticipated to result in nonsense mediated decay, it is expected to disrupt the last 49 amino acid(s) of the SBF1 protein.

NM_002972.4(SBF1):c.5532del (p.Thr1845fs)

Gene: SBF1 (SET binding factor 1; minus strand). Cytogenetic location: 22q13.33.
Variant type: Deletion.
Coding change: c.5532del on transcript NM_002972.4 (MANE Select); coding-DNA position 5532, one base deleted (C; older notation c.5532delC).
Protein change: p.Thr1845fs; shifts the reading frame from threonine 1845.
Molecular consequence: frameshift variant.
Genome position (GRCh38, 1-based): chr22:50,447,373, G deleted on the plus strand (C on the coding strand, the reverse complement: SBF1 is on the minus strand). VCF-style (leftmost placement, unchanged base first): chr22-50447372-TG-T. GRCh37 (hg19) VCF-style: chr22-50885801-TG-T.
Other names: c.5457del, p.Thr1820fs (NM_001365819.1); c.5535delC, p.Thr1846Argfs (NM_001410794.1); c.5454delC, p.Thr1819Argfs (NM_001410795.1); c.5532delC, p.Thr1845Argfs (NM_197971.1); short protein forms T1820fs, T1845fs.
Identifiers: ClinVar variation 1955736 (VCV001955736.5), dbSNP rs780271412, ClinGen allele CA10315802.